The following is an entry in ClinVar:

NM_000501.4(ELN):c.673A>G (p.Lys225Glu)

Gene: ELN (elastin; plus strand). Cytogenetic location: 7q11.23.
Variant type: single nucleotide variant.
Coding change: c.673A>G on transcript NM_000501.4 (MANE Select); coding-DNA position 673, A replaced by G.
Protein change: p.Lys225Glu; replaces lysine 225 with glutamic acid.
Molecular consequence: missense variant. On other transcripts: intron variant (2).
Genome position (GRCh38, 1-based): chr7:74,047,704, A>G. VCF-style: chr7-74047704-A-G. GRCh37 (hg19) VCF-style: chr7-73462034-A-G.
Other names: c.643A>G, p.Lys215Glu (NM_001081752.3, NM_001278917.2); c.688A>G, p.Lys230Glu (NM_001081753.3, NM_001081754.3); c.673A>G, p.Lys225Glu (NM_001081755.3, NM_001278912.2, NM_001278915.2 and 1 more transcripts); c.658A>G, p.Lys220Glu (NM_001278914.2); c.541A>G, p.Lys181Glu (NM_001278918.2); c.644-438A>G (NM_001278916.2); c.578-438A>G (NM_001278913.2); short protein forms K181E, K215E, K220E, K225E, K230E.
Identifiers: ClinVar variation 2574357 (VCV002574357.1), dbSNP rs2485450611, ClinGen allele CA367870419.

ClinVar aggregate classification (germline): Uncertain significance (1 of 4 stars; one submission).

Submission:

GeneDx
Classification: Uncertain significance. Last evaluated: 2023-01-25. Review status: criteria provided, single submitter. Criteria: GeneDx Variant Classification Process June 2021. Collection method: clinical testing. Allele origin: germline. Affected: yes.
Comment: Has not been previously published as pathogenic or benign to our knowledge; Not observed at significant frequency in large population cohorts (gnomAD); In silico analysis supports that this missense variant has a deleterious effect on protein structure/function